The following is an entry in ClinVar:

NM_014946.4(SPAST):c.1624G>A (p.Asp542Asn)

Gene: SPAST (spastin; plus strand). Cytogenetic location: 2p22.3.
Variant type: single nucleotide variant.
Coding change: c.1624G>A on transcript NM_014946.4 (MANE Select); coding-DNA position 1624, G replaced by A.
Protein change: p.Asp542Asn; replaces aspartic acid 542 with asparagine.
Molecular consequence: missense variant. On other transcripts: intron variant (1).
Genome position (GRCh38, 1-based): chr2:32,144,944, G>A. VCF-style: chr2-32144944-G-A. GRCh37 (hg19) VCF-style: chr2-32370013-G-A.
Other names: c.1621G>A, p.Asp541Asn (NM_001363823.2); c.1525G>A, p.Asp509Asn (NM_001363875.2); c.1528G>A, p.Asp510Asn (NM_199436.2); c.1520+1529G>A (NM_001377959.1); short protein forms D509N, D510N, D541N, D542N.
Identifiers: ClinVar variation 1700500 (VCV001700500.2), dbSNP rs780404151, ClinGen allele CA1600974.

ClinVar aggregate classification (germline): Uncertain significance (1 of 4 stars; one submission).

Allele frequency attached by ClinVar (database versions not stated): gnomAD exomes below 0.00001 and 0.00001; ExAC 0.00001; gnomAD 0.00001.
gnomAD v4.1: 13 of 1,611,530 alleles (0.00081%); highest among the groups gnomAD compares: Non-Finnish European, 0.001%; no homozygotes.

Submission:

GeneDx
Classification: Uncertain significance. Last evaluated: 2022-02-04. Review status: criteria provided, single submitter. Criteria: GeneDx Variant Classification Process June 2021. Collection method: clinical testing. Allele origin: germline. Affected: yes.
Comment: Has not been previously published as pathogenic or benign to our knowledge; Not observed at significant frequency in large population cohorts (gnomAD); In silico analysis supports that this missense variant has a deleterious effect on protein structure/function; This variant is associated with the following publications: (PMID: 21139634, 26094131)